The following is an entry in ClinVar:

NM_018077.3(RBM28):c.2208A>G (p.Gln736=)

Gene: RBM28 (RNA binding motif protein 28; minus strand). Cytogenetic location: 7q32.1.
Variant type: single nucleotide variant.
Coding change: c.2208A>G on transcript NM_018077.3 (MANE Select); coding-DNA position 2208, A replaced by G.
Protein change: p.Gln736=; no amino-acid change (glutamine 736 retained).
Molecular consequence: synonymous variant.
Genome position (GRCh38, 1-based): chr7:128,310,869, T>C on the plus strand (A>G on the coding strand, the complement: RBM28 is on the minus strand). VCF-style: chr7-128310869-T-C. GRCh37 (hg19) VCF-style: chr7-127950922-T-C.
Other names: c.1785A>G, p.Gln595= (NM_001166135.2).
Identifiers: ClinVar variation 2657981 (VCV002657981.24), dbSNP rs559300079, ClinGen allele CA4469759.
Genomic context (GRCh38, chr7:128,310,869, plus strand): 5'-CCATTTGCTCCTCTTTGCAAGAGGTGCTCCTTTAGAAGGTCCCAATAATTTCTGCTTATA[T>C]TGTTCGACCAGCTGGTTGAAGCGGGTTTCCGTCTTATTTCCCTTAGCTTTTTTCCTAGAT-3'
Protein context (NP_060547.2, residues 726-746): TETRFNQLVE[Gln736=]YKQKLLGPSK

ClinVar aggregate classification (germline): Likely benign (1 of 4 stars; one submission).

Allele frequency attached by ClinVar (database versions not stated): TOPMed below 0.00001; gnomAD 0.00007; 1000 Genomes Project 30x 0.00016; gnomAD exomes 0.00018; 1000 Genomes Project 0.00020; ExAC 0.00034.
gnomAD v4.1: 274 of 1,614,106 alleles (0.017%); highest among the groups gnomAD compares: South Asian, 0.29%; 2 homozygotes.

Submission:

CeGaT Center for Human Genetics Tuebingen
Classification: Likely benign. Last evaluated: 2022-04-01. Review status: criteria provided, single submitter. Criteria: CeGaT Center For Human Genetics Tuebingen Variant Classification Criteria Version 2. Collection method: clinical testing. Allele origin: germline. Affected: yes. Observed: 1 variant allele.
Comment: RBM28: BP4, BP7